The following is an entry in ClinVar:

NM_152594.3(SPRED1):c.212T>C (p.Val71Ala)

Gene: SPRED1 (sprouty related EVH1 domain containing 1; plus strand). Cytogenetic location: 15q14.
Variant type: single nucleotide variant.
Coding change: c.212T>C on transcript NM_152594.3 (MANE Select); coding-DNA position 212, T replaced by C.
Protein change: p.Val71Ala; replaces valine 71 with alanine.
Molecular consequence: missense variant.
Genome position (GRCh38, 1-based): chr15:38,322,245, T>C. VCF-style: chr15-38322245-T-C. GRCh37 (hg19) VCF-style: chr15-38614446-T-C.
Other names: short protein forms V71A.
Identifiers: ClinVar variation 4174063 (VCV004174063.1).

ClinVar aggregate classification (germline): Uncertain significance (1 of 4 stars; one submission).

Conditions:
Cardiovascular phenotype. Identifiers: MedGen CN230736.

Submission:

Ambry Genetics
Classification: Uncertain significance for Cardiovascular phenotype. Last evaluated: 2025-09-13. Review status: criteria provided, single submitter. Criteria: Ambry Variant Classification Scheme 2023. Collection method: clinical testing. Allele origin: germline.
Comment: The p.V71A variant (also known as c.212T>C), located in coding exon 3 of the SPRED1 gene, results from a T to C substitution at nucleotide position 212. The valine at codon 71 is replaced by alanine, an amino acid with similar properties. This amino acid position is conserved. In addition, this alteration is predicted to be deleterious by in silico analysis. Based on the available evidence, the clinical significance of this variant remains unclear.